The following is an entry in ClinVar:

ClinVar aggregate classification (germline): Pathogenic (1 of 4 stars; one submission).

Conditions:
Renal carnitine transport defect (CDSP). Also called: Carnitine transporter deficiency; Carnitine Deficiency, Systemic; Systemic primary carnitine deficiency disease; CARNITINE DEFICIENCY, SYSTEMIC, DUE TO DEFECT IN RENAL REABSORPTION OF CARNITINE; CARNITINE TRANSPORTER, PLASMA-MEMBRANE, DEFICIENCY OF; CARNITINE UPTAKE DEFECT. Identifiers: Orphanet 158, MedGen C0342788, MONDO:0008919, OMIM 212140.

Submission:

Labcorp Genetics (formerly Invitae), Labcorp
Classification: Pathogenic for Renal carnitine transport defect. Last evaluated: 2019-09-12. Review status: criteria provided, single submitter. Criteria: Invitae Variant Classification Sherloc (09022015). Collection method: clinical testing. Allele origin: germline.
Comment: This sequence change creates a premature translational stop signal (p.Phe200Valfs*80) in the SLC22A5 gene. It is expected to result in an absent or disrupted protein product. This variant is not present in population databases (ExAC no frequency). For these reasons, this variant has been classified as Pathogenic. Loss-of-function variants in SLC22A5 are known to be pathogenic (PMID: 9916797). Algorithms developed to predict the effect of sequence changes on RNA splicing suggest that this variant may create or strengthen a splice site, but this prediction has not been confirmed by published transcriptional studies. This variant has not been reported in the literature in individuals with SLC22A5-related conditions.

Literature cited by the submitters: PubMed 9916797.

NM_003060.4(SLC22A5):c.597dup (p.Phe200fs)

Gene: SLC22A5 (solute carrier family 22 member 5; plus strand). Cytogenetic location: 5q31.1.
Variant type: Duplication.
Coding change: c.597dup on transcript NM_003060.4 (MANE Select); coding-DNA position 597, one base duplicated (G; older notation c.597dupG).
Protein change: p.Phe200fs; shifts the reading frame from phenylalanine 200.
Molecular consequence: frameshift variant.
Genome position (GRCh38, 1-based): chr5:132,384,246, G duplicated. VCF-style (leftmost placement, unchanged base first): chr5-132384245-T-TG. GRCh37 (hg19) VCF-style: chr5-131719937-T-TG.
Other names: c.669dup, p.Phe224fs (NM_001308122.2); short protein forms F224fs, F200fs.
Identifiers: ClinVar variation 938625 (VCV000938625.7), dbSNP rs1752447161, ClinGen allele CA1139655892.